The following is an entry in ClinVar:

NM_007194.4(CHEK2):c.31C>G (p.Gln11Glu)

Gene: CHEK2 (checkpoint kinase 2; minus strand). Cytogenetic location: 22q12.1.
Variant type: single nucleotide variant.
Coding change: c.31C>G on transcript NM_007194.4 (MANE Select); coding-DNA position 31, C replaced by G.
Protein change: p.Gln11Glu; replaces glutamine 11 with glutamic acid.
Molecular consequence: missense variant.
Genome position (GRCh38, 1-based): chr22:28,734,691, G>C on the plus strand (C>G on the coding strand, the complement: CHEK2 is on the minus strand). VCF-style: chr22-28734691-G-C. GRCh37 (hg19) VCF-style: chr22-29130679-G-C.
Other names: c.31C>G, p.Gln11Glu (NM_001005735.3, NM_001349956.3, NM_145862.3); c.-747C>G (NM_001257387.3); short protein forms Q11E.
Identifiers: ClinVar variation 530215 (VCV000530215.9), dbSNP rs1349961118, ClinGen allele CA411091993.

ClinVar aggregate classification (germline): Uncertain significance (1 of 4 stars; one submission).

Conditions:
Familial cancer of breast. Also called: BREAST CANCER, FAMILIAL; Hereditary breast cancer; hereditary breast carcinoma. Identifiers: Orphanet 227535, MedGen C0346153, MONDO:0016419, OMIM 114480. Disease mechanism: loss of function.

Submission:

Labcorp Genetics (formerly Invitae), Labcorp
Classification: Uncertain significance for Familial cancer of breast. Last evaluated: 2017-09-18. Review status: criteria provided, single submitter. Criteria: Invitae Variant Classification Sherloc (09022015). Collection method: clinical testing. Allele origin: germline.
Comment: This variant has not been reported in the literature in individuals with CHEK2-related disease. In summary, the available evidence is currently insufficient to determine the role of this variant in disease. Therefore, it has been classified as a Variant of Uncertain Significance. Algorithms developed to predict the effect of missense changes on protein structure and function (SIFT, PolyPhen-2, Align-GVGD) all suggest that this variant is likely to be tolerated, but these predictions have not been confirmed by published functional studies and their clinical significance is uncertain. This variant is not present in population databases (ExAC no frequency). This sequence change replaces glutamine with glutamic acid at codon 11 of the CHEK2 protein (p.Gln11Glu). The glutamine residue is moderately conserved and there is a small physicochemical difference between glutamine and glutamic acid.